The following is an entry in ClinVar:

ClinVar aggregate classification (germline): Uncertain significance. Review status: criteria provided, multiple submitters, no conflicts (2 of 4 stars). 2 submissions from 2 submitters: Uncertain significance (2). Last evaluated 2026-07-07.

Conditions:
Gastrointestinal stromal tumor. Also called: Gastrointestinal stroma tumor; Gastrointestinal stromal tumor, somatic. Identifiers: Orphanet 44890, MedGen C0238198, MeSH D046152, MONDO:0011719, OMIM 606764, HP:0100723.
Pheochromocytoma/paraganglioma syndrome 3. Also called: GLOMUS TUMORS, FAMILIAL, 3; Paragangliomas 3; SDHC-Related Hereditary Paraganglioma-Pheochromocytoma Syndrome (Paragangliomas 3); SDHC-Related Hereditary Paraganglioma-Pheochromocytoma Syndrome. Identifiers: Orphanet 29072, MedGen C1854336, MONDO:0011544, OMIM 605373.
Hereditary cancer-predisposing syndrome. Also called: Tumor predisposition; Hereditary neoplastic syndrome; Neoplastic Syndromes, Hereditary; Hereditary Cancer Syndrome. Identifiers: Orphanet 140162, MedGen C0027672, MeSH D009386, MONDO:0015356.

Submissions (2):

Ambry Genetics
Classification: Uncertain significance for Hereditary cancer-predisposing syndrome. Last evaluated: 2026-07-07. Review status: criteria provided, single submitter. Criteria: Ambry Variant Classification Scheme 2023. Collection method: clinical testing. Allele origin: germline.
Comment: The p.A66T variant (also known as c.196G>A), located in coding exon 4 of the SDHC gene, results from a G to A substitution at nucleotide position 196. The alanine at codon 66 is replaced by threonine, an amino acid with similar properties. This amino acid position is conserved. In addition, the in silico prediction for this alteration is inconclusive. Based on the available evidence, the clinical significance of this variant remains unclear.

Labcorp Genetics (formerly Invitae), Labcorp
Classification: Uncertain significance for Pheochromocytoma/paraganglioma syndrome 3; Gastrointestinal stromal tumor. Last evaluated: 2019-12-13. Review status: criteria provided, single submitter. Criteria: Invitae Variant Classification Sherloc (09022015). Collection method: clinical testing. Allele origin: germline.
Comment: In summary, the available evidence is currently insufficient to determine the role of this variant in disease. Therefore, it has been classified as a Variant of Uncertain Significance. Algorithms developed to predict the effect of missense changes on protein structure and function (SIFT, PolyPhen-2, Align-GVGD) all suggest that this variant is likely to be tolerated, but these predictions have not been confirmed by published functional studies and their clinical significance is uncertain. This variant has not been reported in the literature in individuals with SDHC-related conditions. This variant is not present in population databases (ExAC no frequency). This sequence change replaces alanine with threonine at codon 66 of the SDHC protein (p.Ala66Thr). The alanine residue is moderately conserved and there is a small physicochemical difference between alanine and threonine.

NM_003001.5(SDHC):c.196G>A (p.Ala66Thr)

Gene: SDHC (succinate dehydrogenase complex subunit C; plus strand). Cytogenetic location: 1q23.3.
Variant type: single nucleotide variant.
Coding change: c.196G>A on transcript NM_003001.5 (MANE Select); coding-DNA position 196, G replaced by A.
Protein change: p.Ala66Thr; replaces alanine 66 with threonine.
Molecular consequence: missense variant.
Genome position (GRCh38, 1-based): chr1:161,340,610, G>A. VCF-style: chr1-161340610-G-A. GRCh37 (hg19) VCF-style: chr1-161310400-G-A.
Other names: c.196G>A, p.Ala66Thr (NM_001035511.3); c.94G>A, p.Ala32Thr (NM_001035512.3, NM_001278172.3, NM_001407118.1); c.37G>A, p.Ala13Thr (NM_001035513.3); c.316G>A, p.Ala106Thr (NM_001407115.1); c.139G>A, p.Ala47Thr (NM_001407116.1, NM_001407117.1, NM_001407121.1); c.85G>A, p.Ala29Thr (NM_001407119.1, NM_001407120.1); short protein forms A66T, A32T, A13T, A29T, A106T, A47T.
Identifiers: ClinVar variation 839379 (VCV000839379.12), dbSNP rs1162090559, ClinGen allele CA343365754.
Genomic context (GRCh38, chr1:161,340,610, plus strand): 5'-TCATCTTTTCCTTTTTAAAATTGTCTTTGTGTGTTTCTTTACAGTTGGTCTCTTCCCATG[G>A]CGATGTCCATCTGCCACCGTGGCACTGGTATTGCTTTGAGTGCAGGTATGTATATGTGTT-3'
Protein context (NP_002992.1, residues 56-76): ITIYSWSLPM[Ala66Thr]MSICHRGTGI